The following is an entry in ClinVar:

ClinVar aggregate classification (germline): Uncertain significance. Review status: criteria provided, multiple submitters, no conflicts (2 of 4 stars). 2 submissions from 2 submitters: Uncertain significance (2). Last evaluated 2022-04-14.

Conditions:
Inborn genetic diseases. Identifiers: MedGen C0950123, MeSH D030342.
Carnitine palmitoyl transferase 1A deficiency. Also called: CPT I DEFICIENCY; CPT DEFICIENCY, HEPATIC, TYPE I; Carnitine palmitoyltransferase 1A deficiency; Carnitine palmitoyltransferase type I deficiency; CPT deficiency, hepatic, type IA. Identifiers: Orphanet 156, MedGen C1829703, MONDO:0009705, OMIM 255120.

Allele frequency attached by ClinVar (database versions not stated): gnomAD 0.00001; gnomAD exomes 0.00002; TOPMed 0.00003; ExAC 0.00008.
gnomAD v4.1: 31 of 1,605,116 alleles (0.0019%); highest among the groups gnomAD compares: Admixed American, 0.0085%; no homozygotes.

Submissions (2):

Labcorp Genetics (formerly Invitae), Labcorp
Classification: Uncertain significance for Carnitine palmitoyl transferase 1A deficiency. Last evaluated: 2022-04-14. Review status: criteria provided, single submitter. Criteria: Invitae Variant Classification Sherloc (09022015). Collection method: clinical testing. Allele origin: germline.
Comment: This sequence change falls in intron 16 of the CPT1A gene. It does not directly change the encoded amino acid sequence of the CPT1A protein. It affects a nucleotide within the consensus splice site. This variant is present in population databases (rs750722412, gnomAD 0.01%). This variant has not been reported in the literature in individuals affected with CPT1A-related conditions. Variants that disrupt the consensus splice site are a relatively common cause of aberrant splicing (PMID: 17576681, 9536098). Algorithms developed to predict the effect of sequence changes on RNA splicing suggest that this variant is not likely to affect RNA splicing. In summary, the available evidence is currently insufficient to determine the role of this variant in disease. Therefore, it has been classified as a Variant of Uncertain Significance.

Ambry Genetics
Classification: Uncertain significance for Inborn genetic diseases. Last evaluated: 2022-03-31. Review status: criteria provided, single submitter. Criteria: Ambry Variant Classification Scheme 2023. Collection method: clinical testing. Allele origin: germline.
Comment: The c.2029-3T>C intronic alteration consists of a T to C substitution 3 nucleotides before exon 17 (coding exon 16) of the CPT1A gene. Based on insufficient or conflicting evidence, the clinical significance of this alteration remains unclear.

Literature cited by the submitters: PubMed 17576681 (cited by Labcorp Genetics (formerly Invitae), Labcorp); PubMed 9536098 (cited by Labcorp Genetics (formerly Invitae), Labcorp).

NM_001876.4(CPT1A):c.2029-3T>C

Gene: CPT1A (carnitine palmitoyltransferase 1A; minus strand). Cytogenetic location: 11q13.3.
Variant type: single nucleotide variant.
Coding change: c.2029-3T>C on transcript NM_001876.4 (MANE Select); 3 bases into the intron before coding-DNA position 2029, T replaced by C.
Molecular consequence: intron variant.
Genome position (GRCh38, 1-based): chr11:68,760,341, A>G on the plus strand (T>C on the coding strand, the complement: CPT1A is on the minus strand). VCF-style: chr11-68760341-A-G. GRCh37 (hg19) VCF-style: chr11-68527809-A-G.
Other names: c.2029-3T>C (NM_001031847.3, NM_001876.3).
Identifiers: ClinVar variation 2165045 (VCV002165045.2), dbSNP rs750722412, ClinGen allele CA6152106.